The following is an entry in ClinVar:

ClinVar aggregate classification (germline): Uncertain significance (1 of 4 stars; one submission).

Submission:

Labcorp Genetics (formerly Invitae), Labcorp
Classification: Uncertain significance. Last evaluated: 2022-06-12. Review status: criteria provided, single submitter. Criteria: Invitae Variant Classification Sherloc (09022015). Collection method: clinical testing. Allele origin: germline.
Comment: In summary, the available evidence is currently insufficient to determine the role of this variant in disease. Therefore, it has been classified as a Variant of Uncertain Significance. Algorithms developed to predict the effect of missense changes on protein structure and function are either unavailable or do not agree on the potential impact of this missense change (SIFT: "Tolerated"; PolyPhen-2: "Possibly Damaging"; Align-GVGD: "Class C0"). This variant has not been reported in the literature in individuals affected with HPS4-related conditions. This variant is not present in population databases (gnomAD no frequency). This sequence change replaces lysine, which is basic and polar, with asparagine, which is neutral and polar, at codon 106 of the HPS4 protein (p.Lys106Asn).

NM_022081.6(HPS4):c.318G>T (p.Lys106Asn)

Gene: HPS4 (HPS4 biogenesis of lysosomal organelles complex 3 subunit 2; minus strand). Cytogenetic location: 22q12.1.
Variant type: single nucleotide variant.
Coding change: c.318G>T on transcript NM_022081.6 (MANE Select); coding-DNA position 318, G replaced by T.
Protein change: p.Lys106Asn; replaces lysine 106 with asparagine.
Molecular consequence: missense variant. On other transcripts: non-coding transcript variant (8).
Genome position (GRCh38, 1-based): chr22:26,472,898, C>A on the plus strand (G>T on the coding strand, the complement: HPS4 is on the minus strand). VCF-style: chr22-26472898-C-A. GRCh37 (hg19) VCF-style: chr22-26868864-C-A.
Other names: c.318G>T, p.Lys106Asn (NM_001349896.1, NM_001349898.2, NM_001349899.2 and 7 more transcripts); c.303G>T, p.Lys101Asn (NM_152841.2); short protein forms K106N, K101N.
Identifiers: ClinVar variation 1976721 (VCV001976721.5), dbSNP rs2518489283, ClinGen allele CA411031672.